The following is an entry in ClinVar:

ClinVar aggregate classification (germline): Likely benign. Review status: criteria provided, multiple submitters, no conflicts (2 of 4 stars). 2 submissions from 2 submitters: Likely benign (2). Last evaluated 2025-10-03.

Conditions:
PGM1-congenital disorder of glycosylation. Also called: GSD XIV; CDG It; Congenital disorder of glycosylation type 1t; PHOSPHOGLUCOMUTASE 1 DEFICIENCY; PGM1 DEFICIENCY; GLYCOGEN STORAGE DISEASE XIV. Identifiers: Orphanet 319646, MedGen C2752015, MONDO:0013968, OMIM 614921.

Allele frequency attached by ClinVar (database versions not stated): gnomAD exomes 0.00008 and 0.00016; ExAC 0.00015; TOPMed 0.00026; ESP Exome Variant Server 0.00031.
gnomAD v4.1: 154 of 1,610,822 alleles (0.0096%); highest among the groups gnomAD compares: African/African-American, 0.052%; no homozygotes.

Submissions (2):

Labcorp Genetics (formerly Invitae), Labcorp
Classification: Likely benign for PGM1-congenital disorder of glycosylation. Last evaluated: 2025-10-03. Review status: criteria provided, single submitter. Criteria: Invitae Variant Classification Sherloc (09022015). Collection method: clinical testing. Allele origin: germline.

GeneDx
Classification: Likely benign. Last evaluated: 2017-07-07. Review status: criteria provided, single submitter. Criteria: GeneDx Variant Classification (06012015). Collection method: clinical testing. Allele origin: germline. Affected: yes.
Comment: This variant is considered likely benign or benign based on one or more of the following criteria: it is a conservative change, it occurs at a poorly conserved position in the protein, it is predicted to be benign by multiple in silico algorithms, and/or has population frequency not consistent with disease.

NM_002633.3(PGM1):c.1137C>T (p.Phe379=)

Gene: PGM1 (phosphoglucomutase 1; plus strand). Cytogenetic location: 1p31.3.
Variant type: single nucleotide variant.
Coding change: c.1137C>T on transcript NM_002633.3 (MANE Select); coding-DNA position 1137, C replaced by T.
Protein change: p.Phe379=; no amino-acid change (phenylalanine 379 retained).
Molecular consequence: synonymous variant.
Genome position (GRCh38, 1-based): chr1:63,638,793, C>T. VCF-style: chr1-63638793-C-T. GRCh37 (hg19) VCF-style: chr1-64104464-C-T.
Other names: c.1191C>T, p.Phe397= (NM_001172818.1); c.546C>T, p.Phe182= (NM_001172819.2).
Identifiers: ClinVar variation 518065 (VCV000518065.10), dbSNP rs367648776, ClinGen allele CA889724.